The following is an entry in ClinVar:

ClinVar aggregate classification (germline): Uncertain significance (1 of 4 stars; one submission).

Submission:

GeneDx
Classification: Uncertain significance. Last evaluated: 2025-06-17. Review status: criteria provided, single submitter. Criteria: GeneDx Variant Classification Process June 2021. Collection method: clinical testing. Allele origin: germline. Affected: yes.
Comment: Not observed at significant frequency in large population cohorts (gnomAD); In silico analysis supports that this missense variant has a deleterious effect on protein structure/function; Has not been previously published as pathogenic or benign to our knowledge

NM_000552.5(VWF):c.4366T>G (p.Tyr1456Asp)

Gene: VWF (von Willebrand factor; minus strand). Cytogenetic location: 12p13.31.
Variant type: single nucleotide variant.
Coding change: c.4366T>G on transcript NM_000552.5 (MANE Select); coding-DNA position 4366, T replaced by G.
Protein change: p.Tyr1456Asp; replaces tyrosine 1456 with aspartic acid.
Molecular consequence: missense variant.
Genome position (GRCh38, 1-based): chr12:6,019,052, A>C on the plus strand (T>G on the coding strand, the complement: VWF is on the minus strand). VCF-style: chr12-6019052-A-C. GRCh37 (hg19) VCF-style: chr12-6128218-A-C.
Other names: short protein forms Y1456D.
Identifiers: ClinVar variation 4538767 (VCV004538767.1).
Genomic context (GRCh38, chr12:6,019,052, plus strand): 5'-CTTGTGCCATGTCGGGGGGCAGAGTAGGAGGAGGGGCTTCAGGGGCAAGGTCACAGAGGT[A>C]GCTAACGATCTCGTCCCTTTGCTGCTCCAGCTCATCCACACTGCTCAGCACGAAGGCCTT-3'
Protein context (NP_000543.3, residues 1446-1466): LEQQRDEIVS[Tyr1456Asp]LCDLAPEAPP